The following is an entry in ClinVar:

NM_001202.6(BMP4):c.547G>A (p.Val183Ile)

Gene: BMP4 (bone morphogenetic protein 4; minus strand). Cytogenetic location: 14q22.2.
Variant type: single nucleotide variant.
Coding change: c.547G>A on transcript NM_001202.6 (MANE Select); coding-DNA position 547, G replaced by A.
Protein change: p.Val183Ile; replaces valine 183 with isoleucine.
Molecular consequence: missense variant.
Genome position (GRCh38, 1-based): chr14:53,950,712, C>T on the plus strand (G>A on the coding strand, the complement: BMP4 is on the minus strand). VCF-style: chr14-53950712-C-T. GRCh37 (hg19) VCF-style: chr14-54417430-C-T.
Other names: c.688G>A, p.Val230Ile (NM_001347912.1); c.547G>A (NM_001202.5); c.358G>A, p.Val120Ile (NM_001347913.2, NM_001347915.2, NM_001347917.1); c.547G>A, p.Val183Ile (NM_001347914.2, NM_001347916.1, NM_130850.5 and 1 more transcripts); short protein forms V183I, V120I, V230I.
Identifiers: ClinVar variation 3481155 (VCV003481155.2).

ClinVar aggregate classification (germline): Uncertain significance. Review status: criteria provided, multiple submitters, no conflicts (2 of 4 stars). 2 submissions from 2 submitters: Uncertain significance (2). Last evaluated 2025-03-30.

Conditions:
BMP4-related disorder. Also called: BMP4-related condition.
Inborn genetic diseases. Identifiers: MedGen C0950123, MeSH D030342.

gnomAD v4.1: 24 of 1,614,122 alleles (0.0015%); highest among the groups gnomAD compares: Non-Finnish European, 0.0017%; no homozygotes.

Submissions (2):

PreventionGenetics, part of Exact Sciences
Classification: Uncertain significance for BMP4-related condition. Last evaluated: 2025-03-30. Review status: criteria provided, single submitter. Criteria: ACMG Guidelines, 2015. Collection method: clinical testing. Allele origin: germline.
Comment: The BMP4 c.547G>A variant is predicted to result in the amino acid substitution p.Val183Ile. To our knowledge, this variant has not been reported in the literature. This variant is reported in 0.0026% of alleles in individuals of European (Non-Finnish) descent in gnomAD. At this time, the clinical significance of this variant is uncertain due to the absence of conclusive functional and genetic evidence.

Ambry Genetics
Classification: Uncertain significance for Inborn genetic diseases. Last evaluated: 2024-07-30. Review status: criteria provided, single submitter. Criteria: Ambry Variant Classification Scheme 2023. Collection method: clinical testing. Allele origin: germline.